The following is an entry in ClinVar:

NM_000528.4(MAN2B1):c.923G>A (p.Arg308His)

Gene: MAN2B1 (mannosidase alpha class 2B member 1; minus strand). Cytogenetic location: 19p13.13.
Variant type: single nucleotide variant.
Coding change: c.923G>A on transcript NM_000528.4 (MANE Select); coding-DNA position 923, G replaced by A.
Protein change: p.Arg308His; replaces arginine 308 with histidine.
Molecular consequence: missense variant.
Genome position (GRCh38, 1-based): chr19:12,661,363, C>T on the plus strand (G>A on the coding strand, the complement: MAN2B1 is on the minus strand). VCF-style: chr19-12661363-C-T. GRCh37 (hg19) VCF-style: chr19-12772177-C-T.
Other names: c.923G>A, p.Arg308His (NM_001173498.2); c.923G>A (NM_000528.3); short protein forms R308H.
Identifiers: ClinVar variation 2189703 (VCV002189703.3), dbSNP rs766861806, ClinGen allele CA404250740.
Genomic context (GRCh38, chr19:12,661,363, plus strand): 5'-CACATGTTGGCATTCTCATATTGGAAGTCCGAGCCCATGGTCATCACAGTGTGGTTGGTG[C>T]GGTAATACCGGCCCTGCAGGCAAGAGGGGAGTCCTGAAGCCAGAGGATCCTGGGCCATCC-3'
Protein context (NP_000519.2, residues 298-318): NVATAQGRYY[Arg308His]TNHTVMTMGS

ClinVar aggregate classification (germline): Uncertain significance. Review status: criteria provided, multiple submitters, no conflicts (2 of 4 stars). 2 submissions from 2 submitters: Uncertain significance (2). Last evaluated 2023-04-07.

Conditions:
Inborn genetic diseases. Identifiers: MedGen C0950123, MeSH D030342.
Deficiency of alpha-mannosidase (MANSA). Also called: LYSOSOMAL ALPHA-D-MANNOSIDASE DEFICIENCY; Alpha-Mannosidosis; Mannosidosis, alpha-, types I and II. Identifiers: Orphanet 61, MedGen C0024748, MONDO:0009561, OMIM 248500.

Allele frequency attached by ClinVar (database versions not stated): gnomAD 0.00001; TOPMed 0.00002.

Submissions (2):

Ambry Genetics
Classification: Uncertain significance for Inborn genetic diseases. Last evaluated: 2023-04-07. Review status: criteria provided, single submitter. Criteria: Ambry Variant Classification Scheme 2023. Collection method: clinical testing. Allele origin: germline.

Labcorp Genetics (formerly Invitae), Labcorp
Classification: Uncertain significance for Deficiency of alpha-mannosidase. Last evaluated: 2022-04-18. Review status: criteria provided, single submitter. Criteria: Invitae Variant Classification Sherloc (09022015). Collection method: clinical testing. Allele origin: germline.
Comment: This sequence change replaces arginine, which is basic and polar, with histidine, which is basic and polar, at codon 308 of the MAN2B1 protein (p.Arg308His). This variant is present in population databases (no rsID available, gnomAD 0.003%). This variant has not been reported in the literature in individuals affected with MAN2B1-related conditions. Algorithms developed to predict the effect of missense changes on protein structure and function are either unavailable or do not agree on the potential impact of this missense change (SIFT: "Deleterious"; PolyPhen-2: "Benign"; Align-GVGD: "Class C0"). In summary, the available evidence is currently insufficient to determine the role of this variant in disease. Therefore, it has been classified as a Variant of Uncertain Significance.